The following is an entry in ClinVar:

ClinVar aggregate classification (germline): Pathogenic (1 of 4 stars; one submission).

Conditions:
Muscular dystrophy-dystroglycanopathy (congenital with impaired intellectual development), type B, 1. Also called: Muscular dystrophy-dystroglycanopathy (congenital with intellectual disability), type B1; MUSCULAR DYSTROPHY, CONGENITAL, POMT1-RELATED. Identifiers: MedGen C5436962, MONDO:0013159, OMIM 613155.
Autosomal recessive limb-girdle muscular dystrophy type 2K. Also called: MUSCULAR DYSTROPHY-DYSTROGLYCANOPATHY (LIMB-GIRDLE), TYPE C, 1; MUSCULAR DYSTROPHY, LIMB-GIRDLE, TYPE 2K. Identifiers: Orphanet 86812, MedGen C1836373, MONDO:0012248, OMIM 609308.
Walker-Warburg congenital muscular dystrophy. Also called: Muscular dystrophy-dystroglycanopathy, type A; Walker-Warburg syndrome. Identifiers: Orphanet 899, MedGen C0265221, MONDO:0000171.

Allele frequency attached by ClinVar (database versions not stated): TOPMed below 0.00001.

Submission:

Labcorp Genetics (formerly Invitae), Labcorp
Classification: Pathogenic for Muscular dystrophy-dystroglycanopathy (congenital with impaired intellectual development), type B, 1; Walker-Warburg congenital muscular dystrophy; Autosomal recessive limb-girdle muscular dystrophy type 2K. Last evaluated: 2025-08-21. Review status: criteria provided, single submitter. Criteria: Invitae Variant Classification Sherloc (09022015). Collection method: clinical testing. Allele origin: germline.
Comment: This sequence change creates a premature translational stop signal (p.Tyr348*) in the POMT1 gene. It is expected to result in an absent or disrupted protein product. Loss-of-function variants in POMT1 are known to be pathogenic (PMID: 12369018, 15637732, 16575835). This variant is not present in population databases (gnomAD no frequency). This variant has not been reported in the literature in individuals affected with POMT1-related conditions. ClinVar contains an entry for this variant (Variation ID: 658622). For these reasons, this variant has been classified as Pathogenic.

Literature cited by the submitters: PubMed 12369018; PubMed 15637732; PubMed 16575835.

NM_001077365.2(POMT1):c.978C>A (p.Tyr326Ter)

Gene: POMT1 (protein O-mannosyltransferase 1; plus strand). Cytogenetic location: 9q34.13.
Variant type: single nucleotide variant.
Coding change: c.978C>A on transcript NM_001077365.2 (MANE Select); coding-DNA position 978, C replaced by A.
Protein change: p.Tyr326Ter; replaces tyrosine 326 with a stop codon.
Molecular consequence: nonsense. On other transcripts: missense variant (1), non-coding transcript variant (10).
Genome position (GRCh38, 1-based): chr9:131,511,459, C>A. VCF-style: chr9-131511459-C-A. GRCh37 (hg19) VCF-style: chr9-134386846-C-A.
Other names: c.816C>A, p.Tyr272Ter (NM_001077366.2, NM_001353194.2, NM_001374693.1); c.978C>A, p.Tyr326Ter (NM_001136113.2, NM_001374690.1); c.627C>A, p.Tyr209Ter (NM_001136114.2, NM_001353195.2, NM_001374691.1 and 1 more transcripts); c.1044C>A, p.Tyr348Ter (NM_001353193.2, NM_007171.4); c.888C>A, p.Tyr296Ter (NM_001353196.2); c.882C>A, p.Tyr294Ter (NM_001353197.2, NM_001353198.2); c.693C>A, p.Tyr231Ter (NM_001353199.2); c.522C>A, p.Tyr174Ter (NM_001353200.2); and 2 more; short protein forms Y231*, Y209*, Y272*, Y294*, Y296*, Y348*, Y174*, Y326*.
Identifiers: ClinVar variation 658622 (VCV000658622.7), dbSNP rs1588391612, ClinGen allele CA375308694.